The following is an entry in ClinVar:

ClinVar aggregate classification (germline): Uncertain significance (1 of 4 stars; one submission).

Conditions:
SETD2-related disorder.

Allele frequency attached by ClinVar (database versions not stated): gnomAD exomes below 0.00001.
gnomAD v4.1: 3 of 1,551,958 alleles (0.00019%); highest among the groups gnomAD compares: Non-Finnish European, 0.000087%; no homozygotes.

Submission:

PreventionGenetics, part of Exact Sciences
Classification: Uncertain significance for SETD2-related condition. Last evaluated: 2022-08-29. Review status: criteria provided, single submitter. Criteria: ACMG Guidelines, 2015. Collection method: clinical testing. Allele origin: germline.
Comment: The SETD2 c.536A>G variant is predicted to result in the amino acid substitution p.Glu179Gly. To our knowledge, this variant has not been reported in the literature. This variant is reported in 0.0016% of alleles in individuals of European (Non-Finnish) descent in gnomAD. At this time, the clinical significance of this variant is uncertain due to the absence of conclusive functional and genetic evidence.

NM_014159.7(SETD2):c.536A>G (p.Glu179Gly)

Gene: SETD2 (SET domain containing 2, histone lysine methyltransferase; minus strand). Cytogenetic location: 3p21.31.
Variant type: single nucleotide variant.
Coding change: c.536A>G on transcript NM_014159.7 (MANE Select); coding-DNA position 536, A replaced by G.
Protein change: p.Glu179Gly; replaces glutamic acid 179 with glycine.
Molecular consequence: missense variant. On other transcripts: non-coding transcript variant (1).
Genome position (GRCh38, 1-based): chr3:47,124,100, T>C on the plus strand (A>G on the coding strand, the complement: SETD2 is on the minus strand). VCF-style: chr3-47124100-T-C. GRCh37 (hg19) VCF-style: chr3-47165590-T-C.
Other names: c.404A>G, p.Glu135Gly (NM_001349370.3); short protein forms E135G, E179G.
Identifiers: ClinVar variation 2636661 (VCV002636661.1), dbSNP rs1360418212, ClinGen allele CA352536332.